The following is an entry in ClinVar:

ClinVar aggregate classification (germline): Uncertain significance (1 of 4 stars; one submission).

Submission:

GeneDx
Classification: Uncertain significance. Last evaluated: 2026-04-12. Review status: criteria provided, single submitter. Criteria: GeneDx Variant Classification Process June 2021. Collection method: clinical testing. Allele origin: germline.
Comment: Not observed at significant frequency in large population cohorts (gnomAD); In silico analysis supports that this missense variant has a deleterious effect on protein structure/function; Has not been previously published as pathogenic or benign to our knowledge

NM_001085049.3(MRAS):c.242A>G (p.Tyr81Cys)

Gene: MRAS (muscle RAS oncogene homolog; plus strand). Cytogenetic location: 3q22.3.
Variant type: single nucleotide variant.
Coding change: c.242A>G on transcript NM_001085049.3 (MANE Select); coding-DNA position 242, A replaced by G.
Protein change: p.Tyr81Cys; replaces tyrosine 81 with cysteine.
Molecular consequence: missense variant.
Genome position (GRCh38, 1-based): chr3:138,397,372, A>G. VCF-style: chr3-138397372-A-G. GRCh37 (hg19) VCF-style: chr3-138116214-A-G.
Other names: c.242A>G, p.Tyr81Cys (NM_001252090.2, NM_012219.4); c.14A>G, p.Tyr5Cys (NM_001252091.1, NM_001252092.2, NM_001252093.2); short protein forms Y5C, Y81C.
Identifiers: ClinVar variation 5018270 (VCV005018270.1).
Genomic context (GRCh38, chr3:138,397,372, plus strand): 5'-ATCCCACCCCAGTTCTGGACACAGCTGGGCAGGAGGAATTCAGCGCCATGCGGGAGCAAT[A>G]CATGCGCACGGGGGATGGCTTCCTCATCGTCTACTCCGTCACTGACAAGGCCAGCTTTGA-3'
Protein context (NP_001078518.1, residues 71-91): QEEFSAMREQ[Tyr81Cys]MRTGDGFLIV